The following is an entry in ClinVar:

ClinVar aggregate classification (germline): Uncertain significance (1 of 4 stars; one submission).

Conditions:
Charcot-Marie-Tooth disease, type I (CMT1). Also called: Charcot-Marie-Tooth, Type 1; Charcot-Marie-Tooth disease type 1. Identifiers: Orphanet 65753, MedGen C0751036, MONDO:0019011.

Submission:

Labcorp Genetics (formerly Invitae), Labcorp
Classification: Uncertain significance for Charcot-Marie-Tooth disease, type I. Last evaluated: 2022-02-03. Review status: criteria provided, single submitter. Criteria: Invitae Variant Classification Sherloc (09022015). Collection method: clinical testing. Allele origin: germline.
Comment: This sequence change falls in intron 1 of the MPZ gene. It does not directly change the encoded amino acid sequence of the MPZ protein. It affects a nucleotide within the consensus splice site. In summary, the available evidence is currently insufficient to determine the role of this variant in disease. Therefore, it has been classified as a Variant of Uncertain Significance. Variants that disrupt the consensus splice site are a relatively common cause of aberrant splicing (PMID: 17576681, 9536098). Algorithms developed to predict the effect of sequence changes on RNA splicing suggest that this variant may disrupt the consensus splice site. ClinVar contains an entry for this variant (Variation ID: 934406). This variant has not been reported in the literature in individuals affected with MPZ-related conditions. This variant is not present in population databases (gnomAD no frequency).

Literature cited by the submitters: PubMed 17576681; PubMed 9536098.

NM_000530.8(MPZ):c.67+5G>T

Gene: MPZ (myelin protein zero; minus strand). Cytogenetic location: 1q23.3.
Variant type: single nucleotide variant.
Coding change: c.67+5G>T on transcript NM_000530.8 (MANE Select); 5 bases into the intron after coding-DNA position 67, G replaced by T.
Molecular consequence: intron variant.
Genome position (GRCh38, 1-based): chr1:161,309,834, C>A on the plus strand (G>T on the coding strand, the complement: MPZ is on the minus strand). VCF-style: chr1-161309834-C-A. GRCh37 (hg19) VCF-style: chr1-161279624-C-A.
Other names: c.67+5G>T (NM_001315491.2).
Identifiers: ClinVar variation 934406 (VCV000934406.7), dbSNP rs1670359056, ClinGen allele CA1139655523.